The following is an entry in ClinVar:

ClinVar aggregate classification (germline): Uncertain significance. Review status: criteria provided, multiple submitters, no conflicts (2 of 4 stars). 2 submissions from 2 submitters: Uncertain significance (2). Last evaluated 2025-09-04.

Conditions:
Sacral agenesis-abnormal ossification of the vertebral bodies-persistent notochordal canal syndrome. Also called: Sacral agenesis with vertebral anomalies. Identifiers: Orphanet 397927, MedGen C3810343, MONDO:0014314, OMIM 615709.
Neural tube defects, susceptibility to. Identifiers: MedGen C3891448, MONDO:0020705, OMIM 182940.

Allele frequency attached by ClinVar (database versions not stated): TOPMed below 0.00001.

Submissions (2):

Clinical Genomics Laboratory, Washington University in St. Louis
Classification: Uncertain significance for Sacral agenesis-abnormal ossification of the vertebral bodies-persistent notochordal canal syndrome; Neural tube defects, susceptibility to. Last evaluated: 2025-09-04. Review status: criteria provided, single submitter. Criteria: ACMG Guidelines, 2015. Collection method: clinical testing. Allele origin: germline.
Comment: The TBXT c.640G>T (p.Ala214Ser) variant has not been reported in the medical literature to our knowledge. This variant is absent from the general population (gnomAD v.4.1.0), indicating it is not a common variant. Computational predictors indicate that the variant is damaging, evidence that correlates with impact to TBXT protein function. This variant has been submitted to ClinVar as a germline variant of uncertain significance by one laboratory (variation ID: 1334511). Due to limited information, and based on ACMG/AMP guidelines for variant interpretation (Richards S et al., PMID: 25741868), the clinical significance of this variant is uncertain at this time.

Greenwood Genetic Center Diagnostic Laboratories, Greenwood Genetic Center
Classification: Uncertain significance. Last evaluated: 2021-07-19. Review status: criteria provided, single submitter. Criteria: ACMG Guidelines, 2015. Collection method: clinical testing. Allele origin: germline. Affected: yes.
Comment: PP3, PM2

NM_001366285.2(TBXT):c.640G>T (p.Ala214Ser)

Gene: TBXT (T-box transcription factor T; minus strand). Cytogenetic location: 6q27.
Variant type: single nucleotide variant.
Coding change: c.640G>T on transcript NM_001366285.2 (MANE Select); coding-DNA position 640, G replaced by T.
Protein change: p.Ala214Ser; replaces alanine 214 with serine.
Molecular consequence: missense variant.
Genome position (GRCh38, 1-based): chr6:166,164,828, C>A on the plus strand (G>T on the coding strand, the complement: TBXT is on the minus strand). VCF-style: chr6-166164828-C-A. GRCh37 (hg19) VCF-style: chr6-166578316-C-A.
Other names: c.640G>T, p.Ala214Ser (NM_001270484.2, NM_001366286.2, NM_003181.4); short protein forms A214S.
Identifiers: ClinVar variation 1334511 (VCV001334511.5), dbSNP rs1248179925, ClinGen allele CA366391985.